The following is an entry in ClinVar:

NM_003681.5(PDXK):c.374C>T (p.Ser125Leu)

Gene: PDXK (pyridoxal kinase; plus strand). Cytogenetic location: 21q22.3.
Variant type: single nucleotide variant.
Coding change: c.374C>T on transcript NM_003681.5 (MANE Select); coding-DNA position 374, C replaced by T.
Protein change: p.Ser125Leu; replaces serine 125 with leucine.
Molecular consequence: missense variant.
Genome position (GRCh38, 1-based): chr21:43,746,121, C>T. VCF-style: chr21-43746121-C-T. GRCh37 (hg19) VCF-style: chr21-45166002-C-T.
Other names: c.254C>T, p.Ser85Leu (NM_001331030.2); short protein forms S125L, S85L.
Identifiers: ClinVar variation 1013193 (VCV001013193.39), dbSNP rs77734576, ClinGen allele CA10048558.

ClinVar aggregate classification (germline): Likely benign. Review status: criteria provided, multiple submitters, no conflicts (2 of 4 stars). 3 submissions from 3 submitters: Likely benign (3). Last evaluated 2026-09-01.

Conditions:
Neuropathy, hereditary motor and sensory, type VIc, with optic atrophy. Also called: HMSN VIC; CHARCOT-MARIE-TOOTH DISEASE, TYPE 6C. Identifiers: MedGen C5193137, MONDO:0032792, OMIM 618511.

Allele frequency attached by ClinVar (database versions not stated): 1000 Genomes Project 0.00120; 1000 Genomes Project 30x 0.00156; TOPMed 0.00182; gnomAD exomes 0.00218 and 0.00305; gnomAD 0.00224 and 0.00229; ESP Exome Variant Server 0.00238; ExAC 0.00253.
gnomAD v4.1: 4,736 of 1,612,004 alleles (0.29%); highest among the groups gnomAD compares: Non-Finnish European, 0.35%; 17 homozygotes.

Submissions (3):

CeGaT Center for Human Genetics Tuebingen
Classification: Likely benign. Last evaluated: 2026-09-01. Review status: criteria provided, single submitter. Criteria: CeGaT Center For Human Genetics Tuebingen Variant Classification Criteria Version 2. Collection method: clinical testing. Allele origin: germline. Affected: yes. Observed: 12 variant alleles.
Comment: PDXK: BP4, BS2

Fulgent Genetics
Classification: Likely benign for Neuropathy, hereditary motor and sensory, type VIc, with optic atrophy. Last evaluated: 2021-07-21. Review status: criteria provided, single submitter. Criteria: ACMG Guidelines, 2015. Collection method: clinical testing. Allele origin: unknown.

Breakthrough Genomics
Classification: Likely benign. Review status: criteria provided, single submitter. Criteria: ACMG Guidelines, 2015. Collection method: not provided. Allele origin: germline. Inheritance: Autosomal recessive inheritance. Affected: yes.